The following is an entry in ClinVar:

NM_000179.3(MSH6):c.560A>G (p.Lys187Arg)

Gene: MSH6 (mutS homolog 6; plus strand). Cytogenetic location: 2p16.3.
Variant type: single nucleotide variant.
Coding change: c.560A>G on transcript NM_000179.3 (MANE Select); coding-DNA position 560, A replaced by G.
Protein change: p.Lys187Arg; replaces lysine 187 with arginine.
Molecular consequence: missense variant. On other transcripts: 5 prime UTR variant (1), intron variant (2).
Genome position (GRCh38, 1-based): chr2:47,795,996, A>G. VCF-style: chr2-47795996-A-G. GRCh37 (hg19) VCF-style: chr2-48023135-A-G.
Other names: c.-343A>G (NM_001281494.2); c.-279-2615A>G (NM_001281493.2); c.238-2615A>G (NM_001281492.2); short protein forms K187R.
Identifiers: ClinVar variation 525687 (VCV000525687.12), dbSNP rs1553411459, ClinGen allele CA346738769.
Genomic context (GRCh38, chr2:47,795,996, plus strand): 5'-GTGCAAAGCCTGAAATACTGAGAGCAATGCAACGTGCAGATGAAGCCTTAAATAAAGACA[A>G]GATTAAGAGGCTTGAATTGGCAGTTTGTGATGAGCCCTCAGAGCCAGAAGAGGAAGAAGA-3'
Protein context (NP_000170.1, residues 177-197): QRADEALNKD[Lys187Arg]IKRLELAVCD

ClinVar aggregate classification (germline): Conflicting classifications of pathogenicity. Review status: criteria provided, conflicting classifications (1 of 4 stars). 3 submissions from 3 submitters: Uncertain significance (2); Likely benign (1). Last evaluated 2025-07-31.

Conditions:
Hereditary nonpolyposis colorectal neoplasms. Identifiers: MedGen C0009405, MeSH D003123.
Hereditary cancer-predisposing syndrome. Also called: Neoplastic Syndromes, Hereditary; Tumor predisposition; Hereditary Cancer Syndrome; Hereditary neoplastic syndrome. Identifiers: Orphanet 140162, MedGen C0027672, MeSH D009386, MONDO:0015356.

Allele frequency attached by ClinVar (database versions not stated): gnomAD exomes below 0.00001.
gnomAD v4.1: 5 of 1,614,174 alleles (0.00031%); highest among the groups gnomAD compares: African/African-American, 0.0027%; no homozygotes.

Submissions (3):

Labcorp Genetics (formerly Invitae), Labcorp
Classification: Uncertain significance for Hereditary nonpolyposis colorectal neoplasms. Last evaluated: 2025-07-31. Review status: criteria provided, single submitter. Criteria: Invitae Variant Classification Sherloc (09022015). Collection method: clinical testing. Allele origin: germline.
Comment: This sequence change replaces lysine, which is basic and polar, with arginine, which is basic and polar, at codon 187 of the MSH6 protein (p.Lys187Arg). This variant is not present in population databases (gnomAD no frequency). This missense change has been observed in individual(s) with breast cancer (PMID: 35039564). ClinVar contains an entry for this variant (Variation ID: 525687). Invitae Evidence Modeling of protein sequence and biophysical properties (such as structural, functional, and spatial information, amino acid conservation, physicochemical variation, residue mobility, and thermodynamic stability) indicates that this missense variant is not expected to disrupt MSH6 protein function with a negative predictive value of 95%. In summary, the available evidence is currently insufficient to determine the role of this variant in disease. Therefore, it has been classified as a Variant of Uncertain Significance.

Ambry Genetics
Classification: Likely benign for Hereditary cancer-predisposing syndrome. Last evaluated: 2023-12-13. Review status: criteria provided, single submitter. Criteria: Ambry Variant Classification Scheme 2023. Collection method: clinical testing. Allele origin: germline.

Color Diagnostics, LLC DBA Color Health
Classification: Uncertain significance for Hereditary cancer-predisposing syndrome. Last evaluated: 2023-12-11. Review status: criteria provided, single submitter. Criteria: ACMG Guidelines, 2015. Collection method: clinical testing. Allele origin: germline.
Comment: This missense variant replaces lysine with arginine at codon 187 of the MSH6 protein. Computational prediction suggests that this variant may not impact protein structure and function (internally defined REVEL score threshold <= 0.5, PMID: 27666373). To our knowledge, functional studies have not been reported for this variant. This variant has been reported in an individual affected with breast cancer (PMID: 35039564). This variant has not been identified in the general population by the Genome Aggregation Database (gnomAD). The available evidence is insufficient to determine the role of this variant in disease conclusively. Therefore, this variant is classified as a Variant of Uncertain Significance.

Literature cited by the submitters: PubMed 35039564 (cited by Labcorp Genetics (formerly Invitae), Labcorp and Color Diagnostics, LLC DBA Color Health); PubMed 37965459 (cited by Ambry Genetics).